The following is an entry in ClinVar:

ClinVar aggregate classification (germline): Conflicting classifications of pathogenicity. Review status: criteria provided, conflicting classifications (1 of 4 stars). 5 submissions from 5 submitters: Pathogenic (1); Likely pathogenic (3); Uncertain significance (1). Last evaluated 2024-01-04.

Conditions:
Biliary tract abnormality. Identifiers: MedGen C0549613, MONDO:0004868, HP:0001080.
SEC63-related disorder. Also called: SEC63-related condition.
Polycystic liver disease 2 (PCLD2). Also called: Polycystic liver disease 2 with or without kidney cysts. Identifiers: Orphanet 2924, MedGen C4310769, MONDO:0014860, OMIM 617004.

Submissions (5):

Fulgent Genetics
Classification: Pathogenic for Polycystic liver disease 2. Last evaluated: 2024-01-04. Review status: criteria provided, single submitter. Criteria: ACMG Guidelines, 2015. Collection method: clinical testing. Allele origin: germline.

GeneDx
Classification: Likely pathogenic. Last evaluated: 2023-01-13. Review status: criteria provided, single submitter. Criteria: GeneDx Variant Classification Process June 2021. Collection method: clinical testing. Allele origin: germline. Affected: yes.
Comment: Frameshift variant predicted to result in protein truncation or nonsense mediated decay in a gene for which loss of function is a known mechanism of disease; This variant is associated with the following publications: (PMID: 28375157)

Blueprint Genetics
Classification: Likely pathogenic for SEC63-related disorders. Last evaluated: 2020-08-19. Review status: criteria provided, single submitter. Criteria: ACMG Guidelines, 2015. Collection method: clinical testing. Allele origin: germline. Affected: yes. Observed: 2 variant alleles.

Cambridge Genomics Laboratory, East Genomic Laboratory Hub, NHS Genomic Medicine Service
Classification: Uncertain significance for Biliary tract abnormality. Last evaluated: 2020-04-03. Review status: criteria provided, single submitter. Criteria: ACGS Best Practice Guidelines for Variant Classification in Rare Disease 2020. Collection method: clinical testing. Allele origin: germline. Affected: yes. Observed: 1 variant allele.

Juno Genomics, Hangzhou Juno Genomics, Inc
Classification: Likely pathogenic for Polycystic liver disease 2. Review status: criteria provided, single submitter. Criteria: ACMG Guidelines, 2015. Collection method: clinical testing. Allele origin: germline.
Comment: Null variant in a gene where loss of function (LOF) is a known mechanism of disease.;Absent from controls (or at extremely low frequency if recessive) in Genome Aggregation Database.

NM_007214.5(SEC63):c.1586dup (p.Lys530fs)

Gene: SEC63 (SEC63 protein translocation regulator; minus strand). Cytogenetic location: 6q21.
Variant type: Duplication.
Coding change: c.1586dup on transcript NM_007214.5 (MANE Select); coding-DNA position 1586, one base duplicated (A; older notation c.1586dupA).
Protein change: p.Lys530fs; shifts the reading frame from lysine 530.
Molecular consequence: frameshift variant.
Genome position (GRCh38, 1-based): chr6:107,893,570, T duplicated on the plus strand (A on the coding strand, the reverse complement: SEC63 is on the minus strand); the first of 9 consecutive T bases (chr6:107,893,570-107,893,578); duplicating any one gives the same sequence. VCF-style (leftmost placement, unchanged base first): chr6-107893569-C-CT. GRCh37 (hg19) VCF-style: chr6-108214773-C-CT.
Other names: c.1586dup (NM_007214.4); short protein forms K530fs.
Identifiers: ClinVar variation 2571945 (VCV002571945.7), dbSNP rs758487924, ClinGen allele CA3947333.